The following is an entry in ClinVar:

NM_003872.3(NRP2):c.2452G>A (p.Glu818Lys)

Gene: NRP2 (neuropilin 2; plus strand). Cytogenetic location: 2q33.3.
Variant type: single nucleotide variant.
Coding change: c.2452G>A on transcript NM_003872.3 (MANE Select); coding-DNA position 2452, G replaced by A.
Protein change: p.Glu818Lys; replaces glutamic acid 818 with lysine.
Molecular consequence: missense variant. On other transcripts: intron variant (1).
Genome position (GRCh38, 1-based): chr2:205,792,261, G>A. VCF-style: chr2-205792261-G-A. GRCh37 (hg19) VCF-style: chr2-206656985-G-A.
Other names: c.2467G>A, p.Glu823Lys (NM_201266.2); c.2426-2493G>A (NM_201279.2); short protein forms E823K, E818K.
Identifiers: ClinVar variation 4982684 (VCV004982684.1).

ClinVar aggregate classification (germline): Uncertain significance (1 of 4 stars; one submission).

Conditions:
NRP2-related disorder. Also called: NRP2-related condition.

Submission:

PreventionGenetics, part of Exact Sciences
Classification: Uncertain significance for NRP2-related condition. Last evaluated: 2026-06-08. Review status: criteria provided, single submitter. Criteria: ACMG Guidelines, 2015. Collection method: clinical testing. Allele origin: germline.
Comment: The NRP2 c.2467G>A variant is predicted to result in the amino acid substitution p.Glu823Lys. To our knowledge, this variant has not been reported in the literature or in a large population database (gnomAD), indicating this variant is rare. At this time, the clinical significance of this variant is uncertain due to the absence of conclusive functional and genetic evidence.